The following is an entry in ClinVar:

NM_006009.4(TUBA1A):c.691A>T (p.Ile231Leu)

Gene: TUBA1A (tubulin alpha 1a; minus strand). Cytogenetic location: 12q13.12.
Variant type: single nucleotide variant.
Coding change: c.691A>T on transcript NM_006009.4 (MANE Select); coding-DNA position 691, A replaced by T.
Protein change: p.Ile231Leu; replaces isoleucine 231 with leucine.
Molecular consequence: missense variant.
Genome position (GRCh38, 1-based): chr12:49,185,675, T>A on the plus strand (A>T on the coding strand, the complement: TUBA1A is on the minus strand). VCF-style: chr12-49185675-T-A. GRCh37 (hg19) VCF-style: chr12-49579458-T-A.
Other names: c.691A>T, p.Ile231Leu (NM_001270399.2); c.586A>T, p.Ile196Leu (NM_001270400.2); short protein forms I196L, I231L.
Identifiers: ClinVar variation 3344362 (VCV003344362.1).
Genomic context (GRCh38, chr12:49,185,675, plus strand): 5'-CAACATTCAGGGCTCCATCAAATCTCAGGGAAGCAGTGATGGAGGACACAATTTGACCTA[T>A]TAACCTATTCAGGTTAGTATAGGTTGGACGCTCAATATCGAGGTTTCTACGACAGATGTC-3'
Protein context (NP_006000.2, residues 221-241): RPTYTNLNRL[Ile231Leu]GQIVSSITAS

ClinVar aggregate classification (germline): Likely pathogenic (0 of 4 stars; one submission).

Conditions:
TUBA1A-related disorder. Also called: TUBA1A-related condition.

Submission:

PreventionGenetics, part of Exact Sciences
Classification: Likely pathogenic for TUBA1A-related condition. Last evaluated: 2024-06-06. Review status: no assertion criteria provided. Collection method: clinical testing. Allele origin: germline.
Comment: The TUBA1A c.691A>T variant is predicted to result in the amino acid substitution p.Ile231Leu. To our knowledge, this variant has not been reported in the literature or in a large population database, indicating this variant is rare. However, an alternate nucleotide substitution leading to the same amino acid change (c.691A>C, p.Ile231Leu) was reported to have occurred de novo in an individual with abnormalities of the brain, eye, endocrine system, and digestive system (see patient 279083 in DECIPHER; Hebebrand et al. 2019. PubMed ID: 30744660). This variant is interpreted as likely pathogenic.